The following is an entry in ClinVar:

ClinVar aggregate classification (germline): Pathogenic (1 of 4 stars; one submission).

Conditions:
KBG syndrome (KBGS). Also called: ANKRD11-Related KBG Syndrome. Identifiers: Orphanet 2332, MedGen C0220687, MONDO:0007846, OMIM 148050.

Submission:

Baylor Genetics
Classification: Pathogenic for KBG syndrome. Last evaluated: 2017-09-01. Review status: criteria provided, single submitter. Criteria: ACMG Guidelines, 2015. Collection method: clinical testing. Allele origin: germline. Inheritance: Autosomal dominant inheritance. Affected: yes.
Comment: This frameshift mutation is categorized as deleterious according to ACMG guidelines (PMID:18414213).

Literature cited by the submitters: PubMed 25326635.

NM_013275.6(ANKRD11):c.2047_2048del (p.Lys683fs)

Gene: ANKRD11 (ankyrin repeat domain 11; minus strand). Cytogenetic location: 16q24.3.
Variant type: Deletion.
Coding change: c.2047_2048del on transcript NM_013275.6 (MANE Select); coding-DNA positions 2047 to 2048, 2 bases deleted (AA; older notation c.2047_2048delAA).
Protein change: p.Lys683fs; shifts the reading frame from lysine 683.
Molecular consequence: frameshift variant.
Genome position (GRCh38, 1-based): chr16:89,284,494-89,284,495, TT deleted on the plus strand (AA on the coding strand, the reverse complement: ANKRD11 is on the minus strand). VCF-style (leftmost placement, unchanged base first): chr16-89284493-CTT-C. GRCh37 (hg19) VCF-style: chr16-89350901-CTT-C.
Other names: c.2047_2048del, p.Lys683fs (NM_001256182.2, NM_001256183.2); short protein forms K683fs.
Identifiers: ClinVar variation 560940 (VCV000560940.2), dbSNP rs1567579092, ClinGen allele CA658825070.